The following is an entry in ClinVar:

ClinVar aggregate classification (germline): Uncertain significance. Review status: criteria provided, multiple submitters, no conflicts (2 of 4 stars). 2 submissions from 2 submitters: Uncertain significance (2). Last evaluated 2025-07-23.

Allele frequency attached by ClinVar (database versions not stated): ExAC 0.00003.
gnomAD v4.1: 96 of 1,613,960 alleles (0.0059%); highest among the groups gnomAD compares: Admixed American, 0.02%; no homozygotes.

Submissions (2):

Labcorp Genetics (formerly Invitae), Labcorp
Classification: Uncertain significance. Last evaluated: 2025-07-23. Review status: criteria provided, single submitter. Criteria: Invitae Variant Classification Sherloc (09022015). Collection method: clinical testing. Allele origin: germline.
Comment: This sequence change replaces arginine, which is basic and polar, with cysteine, which is neutral and slightly polar, at codon 553 of the KIAA0753 protein (p.Arg553Cys). This variant is present in population databases (rs370770168, gnomAD 0.03%). This variant has not been reported in the literature in individuals affected with KIAA0753-related conditions. ClinVar contains an entry for this variant (Variation ID: 1445450). An algorithm developed to predict the effect of missense changes on protein structure and function (PolyPhen-2) suggests that this variant is likely to be tolerated. In summary, the available evidence is currently insufficient to determine the role of this variant in disease. Therefore, it has been classified as a Variant of Uncertain Significance.

Blueprint Genetics
Classification: Uncertain significance. Last evaluated: 2023-09-26. Review status: criteria provided, single submitter. Criteria: ACMG Guidelines, 2015. Collection method: clinical testing. Allele origin: germline.

NM_014804.3(KIAA0753):c.1657C>T (p.Arg553Cys)

Gene: KIAA0753 (KIAA0753; minus strand). Cytogenetic location: 17p13.1.
Variant type: single nucleotide variant.
Coding change: c.1657C>T on transcript NM_014804.3 (MANE Select); coding-DNA position 1657, C replaced by T.
Protein change: p.Arg553Cys; replaces arginine 553 with cysteine.
Molecular consequence: missense variant. On other transcripts: non-coding transcript variant (3).
Genome position (GRCh38, 1-based): chr17:6,610,049, G>A on the plus strand (C>T on the coding strand, the complement: KIAA0753 is on the minus strand). VCF-style: chr17-6610049-G-A. GRCh37 (hg19) VCF-style: chr17-6513369-G-A.
Other names: c.760C>T, p.Arg254Cys (NM_001351225.2); short protein forms R553C, R254C.
Identifiers: ClinVar variation 1445450 (VCV001445450.8), dbSNP rs370770168, ClinGen allele CA8330418.